The following is an entry in ClinVar:

NM_182914.3(SYNE2):c.19391A>C (p.Lys6464Thr)

Gene: SYNE2 (spectrin repeat containing nuclear envelope protein 2; plus strand). Cytogenetic location: 14q23.2.
Variant type: single nucleotide variant.
Coding change: c.19391A>C on transcript NM_182914.3 (MANE Select); coding-DNA position 19391, A replaced by C.
Protein change: p.Lys6464Thr; replaces lysine 6464 with threonine.
Molecular consequence: missense variant. On other transcripts: intron variant (1).
Genome position (GRCh38, 1-based): chr14:64,215,343, A>C. VCF-style: chr14-64215343-A-C. GRCh37 (hg19) VCF-style: chr14-64682061-A-C.
Other names: c.293A>C, p.Lys98Thr (NM_182913.4); c.19333+873A>C (NM_015180.6); short protein forms K6464T, K98T.
Identifiers: ClinVar variation 538345 (VCV000538345.8), dbSNP rs1555552449, ClinGen allele CA389958131.

ClinVar aggregate classification (germline): Uncertain significance (1 of 4 stars; one submission).

Conditions:
Emery-Dreifuss muscular dystrophy 5, autosomal dominant (EDMD5). Also called: EMERY-DREIFUSS MUSCULAR DYSTROPHY 5. Identifiers: Orphanet 261, MedGen C2751805, MONDO:0013072, OMIM 612999.

Allele frequency attached by ClinVar (database versions not stated): gnomAD exomes below 0.00001.
gnomAD v4.1: 1 of 1,614,122 alleles (0.000062%); highest among the groups gnomAD compares: South Asian, 0.0011%; no homozygotes.

Submission:

Labcorp Genetics (formerly Invitae), Labcorp
Classification: Uncertain significance for Emery-Dreifuss muscular dystrophy 5, autosomal dominant. Last evaluated: 2017-11-11. Review status: criteria provided, single submitter. Criteria: Invitae Variant Classification Sherloc (09022015). Collection method: clinical testing. Allele origin: germline.
Comment: In summary, the available evidence is currently insufficient to determine the role of this variant in disease. Therefore, it has been classified as a Variant of Uncertain Significance. Algorithms developed to predict the effect of missense changes on protein structure and function do not agree on the potential impact of this missense change (SIFT: "Tolerated"; PolyPhen-2: "Possibly Damaging"; Align-GVGD: "Class C0"). This variant has not been reported in the literature in individuals with SYNE2-related disease. This variant is not present in population databases (ExAC no frequency). This sequence change replaces lysine with threonine at codon 6464 of the SYNE2 protein (p.Lys6464Thr). The lysine residue is weakly conserved and there is a moderate physicochemical difference between lysine and threonine.